The following is an entry in ClinVar:

NM_002972.4(SBF1):c.386C>T (p.Ala129Val)

Gene: SBF1 (SET binding factor 1; minus strand). Cytogenetic location: 22q13.33.
Variant type: single nucleotide variant.
Coding change: c.386C>T on transcript NM_002972.4 (MANE Select); coding-DNA position 386, C replaced by T.
Protein change: p.Ala129Val; replaces alanine 129 with valine.
Molecular consequence: missense variant.
Genome position (GRCh38, 1-based): chr22:50,467,584, G>A on the plus strand (C>T on the coding strand, the complement: SBF1 is on the minus strand). VCF-style: chr22-50467584-G-A. GRCh37 (hg19) VCF-style: chr22-50906013-G-A.
Other names: c.389C>T, p.Ala130Val (NM_001365819.1, NM_001410794.1); c.386C>T, p.Ala129Val (NM_001410795.1, NM_197971.1); short protein forms A130V, A129V.
Identifiers: ClinVar variation 1934078 (VCV001934078.5), dbSNP rs768106795, ClinGen allele CA10318117.

ClinVar aggregate classification (germline): Uncertain significance (1 of 4 stars; one submission).

Allele frequency attached by ClinVar (database versions not stated): gnomAD exomes below 0.00001; ExAC 0.00001; TOPMed 0.00002.
gnomAD v4.1: 1 of 1,614,152 alleles (0.000062%); highest among the groups gnomAD compares: African/African-American, 0.0013%; no homozygotes.

Submission:

Labcorp Genetics (formerly Invitae), Labcorp
Classification: Uncertain significance. Last evaluated: 2022-02-07. Review status: criteria provided, single submitter. Criteria: Invitae Variant Classification Sherloc (09022015). Collection method: clinical testing. Allele origin: germline.
Comment: This sequence change replaces alanine, which is neutral and non-polar, with valine, which is neutral and non-polar, at codon 129 of the SBF1 protein (p.Ala129Val). This variant is present in population databases (rs768106795, gnomAD 0.007%). This variant has not been reported in the literature in individuals affected with SBF1-related conditions. Algorithms developed to predict the effect of missense changes on protein structure and function are either unavailable or do not agree on the potential impact of this missense change (SIFT: "Deleterious"; PolyPhen-2: "Probably Damaging"; Align-GVGD: "Class C0"). In summary, the available evidence is currently insufficient to determine the role of this variant in disease. Therefore, it has been classified as a Variant of Uncertain Significance.